The following is an entry in ClinVar:

ClinVar aggregate classification (germline): Pathogenic. Review status: criteria provided, multiple submitters, no conflicts (2 of 4 stars). 2 submissions from 2 submitters: Pathogenic (2). Last evaluated 2024-08-07.

Conditions:
Primary ciliary dyskinesia. Also called: Ciliary dyskinesia. Identifiers: Orphanet 244, MedGen C0008780, MONDO:0016575, HP:0012265.

gnomAD v4.1: 1 of 1,614,112 alleles (0.000062%); highest among the groups gnomAD compares: African/African-American, 0.0013%; no homozygotes.

Submissions (2):

Labcorp Genetics (formerly Invitae), Labcorp
Classification: Pathogenic for Primary ciliary dyskinesia. Last evaluated: 2024-08-07. Review status: criteria provided, single submitter. Criteria: Invitae Variant Classification Sherloc (09022015). Collection method: clinical testing. Allele origin: germline.
Comment: This sequence change affects an acceptor splice site in intron 17 of the DNAI1 gene. It is expected to disrupt RNA splicing. Variants that disrupt the donor or acceptor splice site typically lead to a loss of protein function (PMID: 16199547), and loss-of-function variants in DNAI1 are known to be pathogenic (PMID: 16858015, 29363216). This variant is not present in population databases (gnomAD no frequency). Disruption of this splice site has been observed in individual(s) with primary ciliary dyskinesia (PMID: 31650533). In at least one individual the data is consistent with being in trans (on the opposite chromosome) from a pathogenic variant. Algorithms developed to predict the effect of sequence changes on RNA splicing suggest that this variant may disrupt the consensus splice site. For these reasons, this variant has been classified as Pathogenic.

GeneDx
Classification: Pathogenic. Last evaluated: 2024-05-15. Review status: criteria provided, single submitter. Criteria: GeneDx Variant Classification Process June 2021. Collection method: clinical testing. Allele origin: germline. Affected: yes.
Comment: Canonical splice site variant predicted to result in a null allele in a gene for which loss of function is a known mechanism of disease; Not observed at significant frequency in large population cohorts (gnomAD); This variant is associated with the following publications: (PMID: Shoman2024[Case Report], 33715250, 31650533)

Literature cited by the submitters: PubMed 16199547 (cited by Labcorp Genetics (formerly Invitae), Labcorp); PubMed 16858015 (cited by Labcorp Genetics (formerly Invitae), Labcorp); PubMed 29363216 (cited by Labcorp Genetics (formerly Invitae), Labcorp); PubMed 31650533 (cited by Labcorp Genetics (formerly Invitae), Labcorp).

NM_012144.4(DNAI1):c.1719-1G>A

Gene: DNAI1 (dynein axonemal intermediate chain 1; plus strand). Cytogenetic location: 9p13.3.
Variant type: single nucleotide variant.
Coding change: c.1719-1G>A on transcript NM_012144.4 (MANE Select); the canonical splice acceptor site of the intron before coding-DNA position 1719, G replaced by A.
Molecular consequence: splice acceptor variant.
Genome position (GRCh38, 1-based): chr9:34,514,639, G>A. VCF-style: chr9-34514639-G-A. GRCh37 (hg19) VCF-style: chr9-34514637-G-A.
Other names: c.1731-1G>A (NM_001281428.2).
Identifiers: ClinVar variation 3381392 (VCV003381392.3).